The following is an entry in ClinVar:

NC_000015.9:g.(?_34526082)_(34553241_?)dup

Gene: SLC12A6 (solute carrier family 12 member 6; minus strand). Cytogenetic location: 15q14.
Variant type: Duplication.
Identifiers: ClinVar variation 3243911 (VCV003243911.1).

ClinVar aggregate classification (germline): Uncertain significance (1 of 4 stars; one submission).

Submission:

Labcorp Genetics (formerly Invitae), Labcorp
Classification: Uncertain significance. Last evaluated: 2023-12-01. Review status: criteria provided, single submitter. Criteria: Invitae Variant Classification Sherloc (09022015). Collection method: clinical testing. Allele origin: unknown.
Comment: This variant results in a copy number gain of the genomic region encompassing exon(s) 3-25 of the SLC12A6 gene. This region includes the termination codon of the gene. This copy number gain extends beyond the assayed region for this gene and therefore may encompass additional genes. As the precise location of this event is unknown, it may be in tandem or it may be located elsewhere in the genome. This variant has not been reported in the literature in individuals affected with SLC12A6-related conditions. In summary, the available evidence is currently insufficient to determine the role of this variant in disease. Therefore, it has been classified as a Variant of Uncertain Significance.